The following is an entry in ClinVar:

NM_016169.4(SUFU):c.1297-13T>C

Gene: SUFU (SUFU negative regulator of hedgehog signaling; plus strand). Cytogenetic location: 10q24.32.
Variant type: single nucleotide variant.
Coding change: c.1297-13T>C on transcript NM_016169.4 (MANE Select); 13 bases into the intron before coding-DNA position 1297, T replaced by C.
Molecular consequence: intron variant.
Genome position (GRCh38, 1-based): chr10:102,627,162, T>C. VCF-style: chr10-102627162-T-C. GRCh37 (hg19) VCF-style: chr10-104386919-T-C.
Identifiers: ClinVar variation 1535689 (VCV001535689.8), dbSNP rs557592503, ClinGen allele CA5667973.

ClinVar aggregate classification (germline): Conflicting classifications of pathogenicity. Review status: criteria provided, conflicting classifications (1 of 4 stars). 2 submissions from 2 submitters: Uncertain significance (1); Likely benign (1). Last evaluated 2026-01-20.

Conditions:
Gorlin syndrome. Also called: Basal cell nevus syndrome; Nevoid Basal Cell Carcinoma Syndrome. Identifiers: Orphanet 377, MedGen C0004779, MONDO:0007187.
Medulloblastoma (MDB). Also called: MEDULLOBLASTOMA PREDISPOSITION SYNDROME; Medulloblastoma, somatic. Identifiers: Orphanet 616, MedGen C0025149, MeSH D008527, MONDO:0007959, OMIM 155255, HP:0002885.

Allele frequency attached by ClinVar (database versions not stated): gnomAD exomes 0.00001 and 0.00002; ExAC 0.00002; TOPMed 0.00008; gnomAD 0.00012; 1000 Genomes Project 30x 0.00016; 1000 Genomes Project 0.00020.
gnomAD v4.1: 29 of 1,614,094 alleles (0.0018%); highest among the groups gnomAD compares: African/African-American, 0.037%; no homozygotes.

Submissions (2):

Labcorp Genetics (formerly Invitae), Labcorp
Classification: Likely benign for Gorlin syndrome; Medulloblastoma. Last evaluated: 2026-01-20. Review status: criteria provided, single submitter. Criteria: Invitae Variant Classification Sherloc (09022015). Collection method: clinical testing. Allele origin: germline.

GeneDx
Classification: Uncertain significance. Last evaluated: 2022-10-07. Review status: criteria provided, single submitter. Criteria: GeneDx Variant Classification Process June 2021. Collection method: clinical testing. Allele origin: germline. Affected: yes.
Comment: In silico analysis supports that this variant does not alter splicing; Has not been previously published as pathogenic or benign to our knowledge